The following is an entry in ClinVar:

NM_020738.4(KIDINS220):c.4949A>G (p.Lys1650Arg)

Gene: KIDINS220 (kinase D interacting substrate 220; minus strand). Cytogenetic location: 2p25.1.
Variant type: single nucleotide variant.
Coding change: c.4949A>G on transcript NM_020738.4 (MANE Select); coding-DNA position 4949, A replaced by G.
Protein change: p.Lys1650Arg; replaces lysine 1650 with arginine.
Molecular consequence: missense variant. On other transcripts: intron variant (6).
Genome position (GRCh38, 1-based): chr2:8,731,087, T>C on the plus strand (A>G on the coding strand, the complement: KIDINS220 is on the minus strand). VCF-style: chr2-8731087-T-C. GRCh37 (hg19) VCF-style: chr2-8871217-T-C.
Other names: c.4952A>G, p.Lys1651Arg (NM_001348729.2); c.4895A>G, p.Lys1632Arg (NM_001348731.2); c.4892A>G, p.Lys1631Arg (NM_001348732.2); c.4781A>G, p.Lys1594Arg (NM_001348734.2); c.4778A>G, p.Lys1593Arg (NM_001348735.2); c.4652A>G, p.Lys1551Arg (NM_001348736.2); c.3882+2357A>G (NM_001348741.2, NM_001348742.2, NM_001348743.2); c.3996+2357A>G (NM_001348738.2); and 1 more; short protein forms K1632R, K1593R, K1551R, K1650R, K1651R, K1594R, K1631R.
Identifiers: ClinVar variation 1920145 (VCV001920145.5), dbSNP rs1664011456, ClinGen allele CA345762377.

ClinVar aggregate classification (germline): Uncertain significance (1 of 4 stars; one submission).

Allele frequency attached by ClinVar (database versions not stated): TOPMed 0.00001.
gnomAD v4.1: 2 of 1,614,234 alleles (0.00012%); no homozygotes.

Submission:

Labcorp Genetics (formerly Invitae), Labcorp
Classification: Uncertain significance. Last evaluated: 2025-10-27. Review status: criteria provided, single submitter. Criteria: Invitae Variant Classification Sherloc (09022015). Collection method: clinical testing. Allele origin: germline.
Comment: This sequence change replaces lysine, which is basic and polar, with arginine, which is basic and polar, at codon 1650 of the KIDINS220 protein (p.Lys1650Arg). This variant is not present in population databases (gnomAD no frequency). This variant has not been reported in the literature in individuals affected with KIDINS220-related conditions. ClinVar contains an entry for this variant (Variation ID: 1920145). An algorithm developed to predict the effect of missense changes on protein structure and function (PolyPhen-2) suggests that this variant is likely to be disruptive. In summary, the available evidence is currently insufficient to determine the role of this variant in disease. Therefore, it has been classified as a Variant of Uncertain Significance.